The following is an entry in ClinVar:

ClinVar aggregate classification (germline): Benign/Likely benign. Review status: criteria provided, multiple submitters, no conflicts (2 of 4 stars). 13 submissions from 13 submitters: Benign (9); Likely benign (2). 2 of the submissions do not count toward it. Last evaluated 2026-02-04.

Conditions:
Nemaline myopathy 2 (NEM2). Also called: Nemaline myopathy 2, autosomal recessive. Identifiers: MedGen C1850569, MONDO:0009725, OMIM 256030.
Arthrogryposis multiplex congenita 6. Identifiers: MedGen C5543431, MONDO:0030281, OMIM 619334.

Allele frequency attached by ClinVar (database versions not stated): gnomAD 0.00354 and 0.00390; TOPMed 0.00389; 1000 Genomes Project 30x 0.00500; ESP Exome Variant Server 0.00503; 1000 Genomes Project 0.00539; ExAC 0.00837.
gnomAD v4.1: 9,514 of 1,608,264 alleles (0.59%); highest among the groups gnomAD compares: South Asian, 1.7%; 66 homozygotes.

Submissions (13):

Labcorp Genetics (formerly Invitae), Labcorp
Classification: Benign for Nemaline myopathy 2. Last evaluated: 2026-02-04. Review status: criteria provided, single submitter. Criteria: Invitae Variant Classification Sherloc (09022015). Collection method: clinical testing. Allele origin: germline.

Women's Health and Genetics/Laboratory Corporation of America, LabCorp
Classification: Benign. Last evaluated: 2025-01-25. Review status: criteria provided, single submitter. Criteria: LabCorp Variant Classification Summary - May 2015. Collection method: clinical testing. Allele origin: germline.

CeGaT Center for Human Genetics Tuebingen
Classification: Benign. Last evaluated: 2024-05-01. Review status: criteria provided, single submitter. Criteria: CeGaT Center For Human Genetics Tuebingen Variant Classification Criteria Version 2. Collection method: clinical testing. Allele origin: germline. Affected: yes. Observed: 7 variant alleles.
Comment: NEB: BP4, BP7, BS1, BS2

Fulgent Genetics
Classification: Benign for Nemaline myopathy 2; Arthrogryposis multiplex congenita 6. Last evaluated: 2021-10-19. Review status: criteria provided, single submitter. Criteria: ACMG Guidelines, 2015. Collection method: clinical testing. Allele origin: unknown.

Athena Diagnostics
Classification: Benign. Last evaluated: 2021-05-11. Review status: criteria provided, single submitter. Criteria: Athena Diagnostics criteria. Collection method: clinical testing. Allele origin: unknown.

Mayo Clinic Laboratories, Mayo Clinic
Classification: Benign. Last evaluated: 2018-03-05. Review status: criteria provided, single submitter. Criteria: ACMG Guidelines, 2015. Collection method: clinical testing. Allele origin: germline. Observed: 9 variant alleles.

Illumina Laboratory Services, Illumina
Classification: Likely benign for Nemaline myopathy 2. Last evaluated: 2018-01-13. Review status: criteria provided, single submitter. Criteria: ICSL Variant Classification Criteria 13 December 2019. Collection method: clinical testing. Allele origin: germline.
Comment: This variant was observed in the ICSL laboratory as part of a predisposition screen in an ostensibly healthy population. It had not been previously curated by ICSL or reported in the Human Gene Mutation Database (HGMD: prior to June 1st, 2018), and was therefore a candidate for classification through an automated scoring system. Utilizing variant allele frequency, disease prevalence and penetrance estimates, and inheritance mode, an automated score was calculated to assess if this variant is too frequent to cause the disease. Based on the score and internal cut-off values, a variant classified as likely benign is not then subjected to further curation. The score for this variant resulted in a classification of likely benign for this disease.

GeneDx
Classification: Benign. Last evaluated: 2017-02-27. Review status: criteria provided, single submitter. Criteria: GeneDx Variant Classification (06012015). Collection method: clinical testing. Allele origin: germline. Affected: yes.
Comment: This variant is considered likely benign or benign based on one or more of the following criteria: it is a conservative change, it occurs at a poorly conserved position in the protein, it is predicted to be benign by multiple in silico algorithms, and/or has population frequency not consistent with disease.

Eurofins Ntd Llc (ga)
Classification: Benign. Last evaluated: 2014-01-23. Review status: criteria provided, single submitter. Criteria: EGL Classification Definitions 2015. Collection method: clinical testing. Allele origin: germline. Observed: 1 variant allele, 1 heterozygote.

Breakthrough Genomics
Classification: Likely benign. Review status: criteria provided, single submitter. Criteria: ACMG Guidelines, 2015. Collection method: not provided. Allele origin: germline. Inheritance: Autosomal recessive inheritance. Affected: yes.

PreventionGenetics, part of Exact Sciences
Classification: Benign. Review status: criteria provided, single submitter. Criteria: ACMG Guidelines, 2015. Collection method: clinical testing. Allele origin: germline.

Natera, Inc.
Classification: Benign for Nemaline myopathy type 2. Last evaluated: 2020-09-16. Review status: no assertion criteria provided. Collection method: clinical testing. Allele origin: germline. Not counted in ClinVar's aggregate classification.

Genetic Services Laboratory, University of Chicago
Classification: Likely benign for AllHighlyPenetrant. Review status: no assertion criteria provided. Collection method: clinical testing. Allele origin: germline. Inheritance: Autosomal recessive inheritance. Not counted in ClinVar's aggregate classification.
Comment: Likely benign based on allele frequency in 1000 Genomes Project or ESP global frequency and its presence in a patient with a rare or unrelated disease phenotype. NOT Sanger confirmed.

NM_001164508.2(NEB):c.19056G>T (p.Thr6352=)

Gene: NEB (nebulin; minus strand). Cytogenetic location: 2q23.3.
Variant type: single nucleotide variant.
Coding change: c.19056G>T on transcript NM_001164508.2 (MANE Select); coding-DNA position 19056, G replaced by T.
Protein change: p.Thr6352=; no amino-acid change (threonine 6352 retained).
Molecular consequence: synonymous variant.
Genome position (GRCh38, 1-based): chr2:151,561,253, C>A on the plus strand (G>T on the coding strand, the complement: NEB is on the minus strand). VCF-style: chr2-151561253-C-A. GRCh37 (hg19) VCF-style: chr2-152417767-C-A.
Other names: p.Thr6352=; c.19056G>T, p.Thr6352= (NM_001164507.2, NM_001271208.2); c.13953G>T, p.Thr4651= (NM_004543.5).
Identifiers: ClinVar variation 129716 (VCV000129716.59), dbSNP rs115631125, ClinGen allele CA153909.